The following is an entry in ClinVar:

NM_031844.3(HNRNPU):c.2148T>C (p.Gly716=)

Gene: HNRNPU (heterogeneous nuclear ribonucleoprotein U; minus strand). Cytogenetic location: 1q44.
Variant type: single nucleotide variant.
Coding change: c.2148T>C on transcript NM_031844.3 (MANE Select); coding-DNA position 2148, T replaced by C.
Protein change: p.Gly716=; no amino-acid change (glycine 716 retained).
Molecular consequence: synonymous variant.
Genome position (GRCh38, 1-based): chr1:244,855,923, A>G on the plus strand (T>C on the coding strand, the complement: HNRNPU is on the minus strand). VCF-style: chr1-244855923-A-G. GRCh37 (hg19) VCF-style: chr1-245019225-A-G.
Other names: c.2091T>C, p.Gly697= (NM_004501.3).
Identifiers: ClinVar variation 3058309 (VCV003058309.2), dbSNP rs749319089, ClinGen allele CA1486313.

ClinVar aggregate classification (germline): Likely benign (0 of 4 stars; one submission).

Conditions:
HNRNPU-related disorder. Also called: HNRNPU-related condition.

Allele frequency attached by ClinVar (database versions not stated): gnomAD exomes below 0.00001; TOPMed below 0.00001; ExAC 0.00002.
gnomAD v4.1: 2 of 1,613,878 alleles (0.00012%); highest among the groups gnomAD compares: Middle Eastern, 0.017%; no homozygotes.

Submission:

PreventionGenetics, part of Exact Sciences
Classification: Likely benign for HNRNPU-related condition. Last evaluated: 2019-02-19. Review status: no assertion criteria provided. Collection method: clinical testing. Allele origin: germline.
Comment: This variant is classified as likely benign based on ACMG/AMP sequence variant interpretation guidelines (Richards et al. 2015 PMID: 25741868, with internal and published modifications).